The following is an entry in ClinVar:

NM_004360.5(CDH1):c.1565+3A>C

Gene: CDH1 (cadherin 1; plus strand). Cytogenetic location: 16q22.1.
Variant type: single nucleotide variant.
Coding change: c.1565+3A>C on transcript NM_004360.5 (MANE Select); 3 bases into the intron after coding-DNA position 1565, A replaced by C.
Molecular consequence: intron variant.
Genome position (GRCh38, 1-based): chr16:68,815,762, A>C. VCF-style: chr16-68815762-A-C. GRCh37 (hg19) VCF-style: chr16-68849665-A-C.
Other names: c.17+3A>C (NM_001317185.2); c.-255+3A>C (NM_001317186.2); c.1382+3A>C (NM_001317184.2).
Identifiers: ClinVar variation 2197437 (VCV002197437.4), dbSNP rs1555516202, ClinGen allele CA2580091999.

ClinVar aggregate classification (germline): Uncertain significance (1 of 4 stars; one submission).

Conditions:
Hereditary diffuse gastric adenocarcinoma (HDGC). Also called: DIFFUSE GASTRIC AND LOBULAR BREAST CANCER SYNDROME. Identifiers: Orphanet 26106, MedGen C1708349, MONDO:0007648, OMIM 137215.

Submission:

Labcorp Genetics (formerly Invitae), Labcorp
Classification: Uncertain significance for Hereditary diffuse gastric adenocarcinoma. Last evaluated: 2023-01-04. Review status: criteria provided, single submitter. Criteria: Invitae Variant Classification Sherloc (09022015). Collection method: clinical testing. Allele origin: germline.
Comment: In summary, the available evidence is currently insufficient to determine the role of this variant in disease. Therefore, it has been classified as a Variant of Uncertain Significance. Variants that disrupt the consensus splice site are a relatively common cause of aberrant splicing (PMID: 17576681, 9536098). Algorithms developed to predict the effect of sequence changes on RNA splicing suggest that this variant may disrupt the consensus splice site. This variant has not been reported in the literature in individuals affected with CDH1-related conditions. This variant is not present in population databases (gnomAD no frequency). This sequence change falls in intron 10 of the CDH1 gene. It does not directly change the encoded amino acid sequence of the CDH1 protein. It affects a nucleotide within the consensus splice site.

Literature cited by the submitters: PubMed 17576681; PubMed 9536098.